The following is an entry in ClinVar:

ClinVar aggregate classification (germline): Pathogenic (1 of 4 stars; one submission).

Conditions:
Familial cancer of breast. Also called: BREAST CANCER, FAMILIAL; Hereditary breast cancer; hereditary breast carcinoma. Identifiers: Orphanet 227535, MedGen C0346153, MONDO:0016419, OMIM 114480. Disease mechanism: loss of function.

Submission:

Labcorp Genetics (formerly Invitae), Labcorp
Classification: Pathogenic for Familial cancer of breast. Last evaluated: 2022-08-10. Review status: criteria provided, single submitter. Criteria: Invitae Variant Classification Sherloc (09022015). Collection method: clinical testing. Allele origin: germline.
Comment: This variant is a gross deletion of the genomic region encompassing exon(s) 1-4 of the BARD1 gene, which includes the initiator codon. This deletion extends beyond the assayed region for this gene and therefore may encompass additional genes. It is expected to result in an absent or disrupted protein product. Loss-of-function variants in BARD1 are known to be pathogenic (PMID: 20077502, 21344236). This variant has not been reported in the literature in individuals affected with BARD1-related conditions. For these reasons, this variant has been classified as Pathogenic.

Literature cited by the submitters: PubMed 20077502; PubMed 21344236.

NC_000002.12:g.(?_214780550)_(214809579_?)del

Gene: BARD1 (BRCA1 associated RING domain 1; minus strand). Cytogenetic location: 2q35.
Variant type: Deletion.
Identifiers: ClinVar variation 831320 (VCV000831320.3).